The following is an entry in ClinVar:

NM_000030.3(AGXT):c.364C>T (p.Arg122Ter)

Gene: AGXT (alanine--glyoxylate aminotransferase; plus strand). Cytogenetic location: 2q37.3.
Variant type: single nucleotide variant.
Coding change: c.364C>T on transcript NM_000030.3 (MANE Select); coding-DNA position 364, C replaced by T.
Protein change: p.Arg122Ter; replaces arginine 122 with a stop codon.
Molecular consequence: nonsense.
Genome position (GRCh38, 1-based): chr2:240,870,649, C>T. VCF-style: chr2-240870649-C-T. GRCh37 (hg19) VCF-style: chr2-241810066-C-T.
Other names: p.Arg122Ter; short protein forms R122*.
Identifiers: ClinVar variation 204097 (VCV000204097.32), dbSNP rs180177210, ClinGen allele CA275681.
Genomic context (GRCh38, chr2:240,870,649, plus strand): 5'-ACTGGCTTCTACAGTGTGTGCGGGACACTCACGGCCCACTCTGTCCTGCACCCAGGAGCC[C>T]GAGTGCACCCGATGACCAAGGACCCTGGAGGCCACTACACACTGCAGGAGGTGGAGGAGG-3'

ClinVar aggregate classification (germline): Pathogenic. Review status: criteria provided, multiple submitters, no conflicts (2 of 4 stars). 11 submissions from 11 submitters: Pathogenic (10). 1 of the submissions does not count toward it. Last evaluated 2026-04-27.

Conditions:
Primary hyperoxaluria, type I (HP1). Also called: GLYCOLIC ACIDURIA; HEPATIC AGT DEFICIENCY; OXALOSIS I; Primary hyperoxaluria type 1. Identifiers: Orphanet 416, Orphanet 93598, MedGen C0268164, MONDO:0009823, OMIM 259900. Disease mechanism: loss of function.

Allele frequency attached by ClinVar (database versions not stated): ExAC 0.00010; gnomAD exomes 0.00001; TOPMed below 0.00001.
gnomAD v4.1: 5 of 1,552,634 alleles (0.00032%); highest among the groups gnomAD compares: South Asian, 0.0048%; no homozygotes.

Submissions (11):

Victorian Clinical Genetics Services, Murdoch Childrens Research Institute
Classification: Pathogenic for Primary hyperoxaluria, type I. Last evaluated: 2026-04-27. Review status: criteria provided, single submitter. Criteria: ACMG Guidelines, 2015. Collection method: clinical testing. Allele origin: germline. Affected: yes.
Comment: This variant is classified as Pathogenic. Evidence in support of pathogenic classification: Variant is predicted to cause nonsense-mediated decay (NMD) and loss of protein (premature termination codon is located at least 54 nucleotides upstream of the final exon-exon junction); Variant is present in gnomAD <0.01 for a recessive condition (v4: 5 heterozygote(s), 0 homozygote(s)); This variant has strong previous evidence of pathogenicity in unrelated individuals. This variant has been classified as pathogenic by clinical laboratories in ClinVar, and has been reported in the literature in compound heterozygous individuals with primary hyperoxaluria type 1 (PMIDs: 24385516, 30341509); Other NMD-predicted variants comparable to the one identified in this case have very strong previous evidence for pathogenicity (DECIPHER). Additional information: This variant is heterozygous; This gene is associated with autosomal recessive disease; Loss of function is a known mechanism of disease in this gene and is associated with primary hyperoxaluria type 1 (MIM#259900); Variants in this gene are known to have variable expressivity (PMID: 20301460); Inheritance information for this variant is not currently available in this individual.

Natera, Inc.
Classification: Pathogenic for Primary hyperoxaluria type I. Last evaluated: 2025-11-04. Review status: criteria provided, single submitter. Criteria: Natera Variant Classification Schema (03/2026). Collection method: clinical testing. Allele origin: germline.
Comment: The c.364C>T variant in AGXT is a nonsense variant predicted to introduce a stop codon at amino acid 122. This variant is expected to result in nonsense mediated decay, truncation, or a dysfunctional protein product. This variant is rare in the general population with a frequency below the threshold expected for the associated phenotype(s). This variant has been observed in one or more individuals affected with the associated recessive disease, as either homozygous or compound heterozygous with a second variant (PMID: 30341509). Given the available evidence, this variant is classified as Pathogenic.

3billion
Classification: Pathogenic for Primary hyperoxaluria, type I. Last evaluated: 2025-08-19. Review status: criteria provided, single submitter. Criteria: ACMG Guidelines, 2015. Collection method: clinical testing. Allele origin: germline. Affected: yes.
Comment: The variant is observed at an extremely low frequency in the gnomAD v4.1.0 dataset (total allele frequency: <0.001%). Predicted Consequence/Location: Stop-gained (nonsense): predicted to result in a loss or disruption of normal protein function through nonsense-mediated decay (NMD) or protein truncation. Multiple pathogenic variants are reported downstream of the variant. The variant has been reported at least twice as pathogenic with clinical assertions and evidence for the classification (ClinVar ID: VCV000204097 /PMID: 19479957 /3billion dataset). Therefore, this variant is classified as Pathogenic according to the recommendation of ACMG/AMP guideline.

Fulgent Genetics
Classification: Pathogenic for Primary hyperoxaluria, type I. Last evaluated: 2024-05-22. Review status: criteria provided, single submitter. Criteria: ACMG Guidelines, 2015. Collection method: clinical testing. Allele origin: germline.

Baylor Genetics
Classification: Pathogenic for Primary hyperoxaluria, type I. Last evaluated: 2024-02-06. Review status: criteria provided, single submitter. Criteria: ACMG Guidelines, 2015. Collection method: clinical testing. Allele origin: unknown.

Labcorp Genetics (formerly Invitae), Labcorp
Classification: Pathogenic. Last evaluated: 2023-06-23. Review status: criteria provided, single submitter. Criteria: Invitae Variant Classification Sherloc (09022015). Collection method: clinical testing. Allele origin: germline.
Comment: This sequence change creates a premature translational stop signal (p.Arg122*) in the AGXT gene. It is expected to result in an absent or disrupted protein product. Loss-of-function variants in AGXT are known to be pathogenic (PMID: 19479957). For these reasons, this variant has been classified as Pathogenic. ClinVar contains an entry for this variant (Variation ID: 204097). This premature translational stop signal has been observed in individuals with primary hyperoxaluria (PMID: 19479957, 21850686, 29244539). The frequency data for this variant in the population databases is considered unreliable, as metrics indicate poor data quality at this position in the gnomAD database.

Revvity Omics, Revvity
Classification: Pathogenic for Primary hyperoxaluria, type I. Last evaluated: 2023-05-15. Review status: criteria provided, single submitter. Criteria: ACMG Guidelines, 2015. Collection method: clinical testing. Allele origin: germline.

Breakthrough Genomics
Classification: Pathogenic for Primary hyperoxaluria, type I. Last evaluated: 2021-04-16. Review status: criteria provided, single submitter. Criteria: ACMG Guidelines, 2015. Collection method: clinical testing. Allele origin: germline. Affected: yes.
Comment: This variant is predicted to cause a premature termination of the protein and the resultant protein will likely to lack C-terminal part of the protein; this will likely result in loss-of-function. Due to the introduction of a premature stop codon, this aberrant transcript will likely be targeted by the nonsense-mediated mRNA decay (NMD) mechanism [PMID: 15040442]. The variant was previously reported in several individuals affected with primary hyperoxaluria [PMID: 21850686, 29244539, 19479957].

Sydney Genome Diagnostics, Children's Hospital Westmead
Classification: Pathogenic for Primary hyperoxaluria, type I. Last evaluated: 2021-04-08. Review status: criteria provided, single submitter. Criteria: ACMG Guidelines, 2015. Collection method: clinical testing. Allele origin: germline.
Comment: This variant creates a premature stop codon p.(Arg122*) and may result in a null allele due to nonsense-mediated mRNA decay. The variant has been previously reported, homozygous or compound heterozygous with other AGXT disease causing variants, in individuals with hyperoxaluria (Dulz et al 2018 PMID: 29244539; Martinez-Turrillas et al 2019 PMID: 31715429; ClinVar, accessed: 20/07/21). This variant has been reported in the gnomAD v2.1.1 browser (accessed: 08/04/2021) with a very low allele frequency of 0.0006% (1 out of 159,126 alleles). This variant is considered to be a pathogenic according to the ACMG guidelines (evidence used: PVS1, PM2, PM3_Strong).

Clinical Genetics Service, Universitary Hospital 12 de Octubre
Classification: Pathogenic for Primary hyperoxaluria, type I. Review status: criteria provided, single submitter. Criteria: ACMG Guidelines, 2015. Collection method: clinical testing. Allele origin: paternal. Affected: yes.

Clinical Biochemistry Laboratory, Health Services Laboratory
Classification: Pathogenic for Primary hyperoxaluria, type I. Last evaluated: 2014-11-27. Review status: no assertion criteria provided. Collection method: research. Allele origin: germline. Affected: yes. Not counted in ClinVar's aggregate classification.

Literature cited by the submitters: PubMed 30341509 (cited by Victorian Clinical Genetics Services, Murdoch Childrens Research Institute and Natera, Inc.); PubMed 24385516 (cited by Victorian Clinical Genetics Services, Murdoch Childrens Research Institute); PubMed 20301460 (cited by Victorian Clinical Genetics Services, Murdoch Childrens Research Institute); PubMed 19479957 (cited by 3 submitters); PubMed 21850686 (cited by Labcorp Genetics (formerly Invitae), Labcorp); PubMed 29244539 (cited by Labcorp Genetics (formerly Invitae), Labcorp and Sydney Genome Diagnostics, Children's Hospital Westmead); PubMed 31715429 (cited by Sydney Genome Diagnostics, Children's Hospital Westmead).